The following is an entry in ClinVar:

NM_003052.5(SLC34A1):c.115C>T (p.His39Tyr)

Gene: SLC34A1 (solute carrier family 34 member 1; plus strand). Cytogenetic location: 5q35.3.
Variant type: single nucleotide variant.
Coding change: c.115C>T on transcript NM_003052.5 (MANE Select); coding-DNA position 115, C replaced by T.
Protein change: p.His39Tyr; replaces histidine 39 with tyrosine.
Molecular consequence: missense variant.
Genome position (GRCh38, 1-based): chr5:177,385,992, C>T. VCF-style: chr5-177385992-C-T. GRCh37 (hg19) VCF-style: chr5-176812993-C-T.
Other names: c.115C>T, p.His39Tyr (NM_001167579.2); short protein forms H39Y.
Identifiers: ClinVar variation 3592096 (VCV003592096.2).

ClinVar aggregate classification (germline): Uncertain significance. Review status: criteria provided, multiple submitters, no conflicts (2 of 4 stars). 2 submissions from 2 submitters: Uncertain significance (2). Last evaluated 2025-05-01.

Conditions:
Hypophosphatemic nephrolithiasis/osteoporosis 1. Identifiers: Orphanet 244305, MedGen C2676786, MONDO:0012850, OMIM 612286.
Fanconi renotubular syndrome 2 (FRTS2). Identifiers: MedGen C3150652, MONDO:0013247, OMIM 613388.
Hypercalcemia, infantile, 2 (HCINF2). Identifiers: Orphanet 300547, MedGen C4310473, MONDO:0014851, OMIM 616963.

Submissions (2):

Rare Kidney Stone Consortium and the Mayo Clinic Hyperoxaluria Center, Mayo Clinic
Classification: Uncertain significance for Fanconi renotubular syndrome 2; Hypercalcemia, infantile, 2; Hypophosphatemic nephrolithiasis/osteoporosis 1. Last evaluated: 2025-05-01. Review status: criteria provided, single submitter. Criteria: ACMG Guidelines, 2015. Collection method: research. Allele origin: germline.
Comment: ACMG: PM2

heterozygote. Could be significant in family.

Fulgent Genetics
Classification: Uncertain significance for Hypophosphatemic nephrolithiasis/osteoporosis 1; Fanconi renotubular syndrome 2; Hypercalcemia, infantile, 2. Last evaluated: 2024-04-17. Review status: criteria provided, single submitter. Criteria: ACMG Guidelines, 2015. Collection method: clinical testing. Allele origin: germline.

Literature cited by the submitters: PubMed 34805638 (cited by Rare Kidney Stone Consortium and the Mayo Clinic Hyperoxaluria Center, Mayo Clinic).